The following is an entry in ClinVar:

NM_004006.3(DMD):c.8447A>T (p.Glu2816Val)

Gene: DMD (dystrophin; minus strand). Cytogenetic location: Xp21.2.
Variant type: single nucleotide variant.
Coding change: c.8447A>T on transcript NM_004006.3 (MANE Select); coding-DNA position 8447, A replaced by T.
Protein change: p.Glu2816Val; replaces glutamic acid 2816 with valine.
Molecular consequence: missense variant.
Genome position (GRCh38, 1-based): chrX:31,496,888, T>A on the plus strand (A>T on the coding strand, the complement: DMD is on the minus strand). VCF-style: chrX-31496888-T-A. GRCh37 (hg19) VCF-style: chrX-31515005-T-A.
Other names: c.8423A>T, p.Glu2808Val (NM_000109.4); c.8435A>T, p.Glu2812Val (NM_004009.3); c.8078A>T, p.Glu2693Val (NM_004010.3); c.4424A>T, p.Glu1475Val (NM_004011.4); c.4415A>T, p.Glu1472Val (NM_004012.4); c.1067A>T, p.Glu356Val (NM_004013.3, NM_004020.4, NM_004021.3 and 2 more transcripts); c.260A>T, p.Glu87Val (NM_004014.3); short protein forms E2812V, E356V, E2808V, E2816V, E1475V, E2693V, E1472V, E87V.
Identifiers: ClinVar variation 2012181 (VCV002012181.4), dbSNP rs2525734745, ClinGen allele CA412655568.
Genomic context (GRCh38, chrX:31,496,888, plus strand): 5'-CCTCCAATAGGTGCCTGCCGGCTTAATTCATCATCTTTCAGCTGTAGCCACACCAGAAGT[T>A]CCTGCAGAGAAAGGTGCAGACGCTTCCACTGGTCAGAACTGGCTTCCAAATGGGACCTGA-3'
Protein context (NP_003997.2, residues 2806-2826): QWKRLHLSLQ[Glu2816Val]LLVWLQLKDD

ClinVar aggregate classification (germline): Uncertain significance (1 of 4 stars; one submission).

Conditions:
Duchenne muscular dystrophy (DMD). Also called: MUSCULAR DYSTROPHY, PSEUDOHYPERTROPHIC PROGRESSIVE, DUCHENNE TYPE; Duchenne Muscular Dystrophy (DMD). Identifiers: Orphanet 98896, MedGen C0013264, MONDO:0010679, OMIM 310200.

Submission:

Labcorp Genetics (formerly Invitae), Labcorp
Classification: Uncertain significance for Duchenne muscular dystrophy. Last evaluated: 2022-06-29. Review status: criteria provided, single submitter. Criteria: Invitae Variant Classification Sherloc (09022015). Collection method: clinical testing. Allele origin: germline.
Comment: This sequence change replaces glutamic acid, which is acidic and polar, with valine, which is neutral and non-polar, at codon 2816 of the DMD protein (p.Glu2816Val). This variant is not present in population databases (gnomAD no frequency). This variant has not been reported in the literature in individuals affected with DMD-related conditions. Algorithms developed to predict the effect of missense changes on protein structure and function (SIFT, PolyPhen-2, Align-GVGD) all suggest that this variant is likely to be disruptive. Algorithms developed to predict the effect of sequence changes on RNA splicing suggest that this variant may create or strengthen a splice site. In summary, the available evidence is currently insufficient to determine the role of this variant in disease. Therefore, it has been classified as a Variant of Uncertain Significance.